The following is an entry in ClinVar:

NM_182919.4(TICAM1):c.1043C>T (p.Pro348Leu)

Gene: TICAM1 (TIR domain containing adaptor molecule 1; minus strand). Cytogenetic location: 19p13.3.
Variant type: single nucleotide variant.
Coding change: c.1043C>T on transcript NM_182919.4 (MANE Select); coding-DNA position 1043, C replaced by T.
Protein change: p.Pro348Leu; replaces proline 348 with leucine.
Molecular consequence: missense variant.
Genome position (GRCh38, 1-based): chr19:4,817,335, G>A on the plus strand (C>T on the coding strand, the complement: TICAM1 is on the minus strand). VCF-style: chr19-4817335-G-A. GRCh37 (hg19) VCF-style: chr19-4817347-G-A.
Other names: short protein forms P348L.
Identifiers: ClinVar variation 940076 (VCV000940076.7), dbSNP rs1176341029, ClinGen allele CA403491085.

ClinVar aggregate classification (germline): Uncertain significance (1 of 4 stars; one submission).

Conditions:
Encephalopathy, acute, infection-induced (herpes-specific), susceptibility to, 6. Also called: Herpes simplex encephalitis, susceptibility to, 4. Identifiers: Orphanet 1930, MedGen C3553869, MONDO:0013921, OMIM 614850.

Allele frequency attached by ClinVar (database versions not stated): gnomAD exomes below 0.00001; TOPMed below 0.00001.

Submission:

Labcorp Genetics (formerly Invitae), Labcorp
Classification: Uncertain significance for Encephalopathy, acute, infection-induced (herpes-specific), susceptibility to, 6. Last evaluated: 2021-08-27. Review status: criteria provided, single submitter. Criteria: Invitae Variant Classification Sherloc (09022015). Collection method: clinical testing. Allele origin: germline.
Comment: This sequence change replaces proline with leucine at codon 348 of the TICAM1 protein (p.Pro348Leu). The proline residue is moderately conserved and there is a moderate physicochemical difference between proline and leucine. This variant is not present in population databases (ExAC no frequency). This variant has not been reported in the literature in individuals affected with TICAM1-related conditions. Algorithms developed to predict the effect of missense changes on protein structure and function output the following: SIFT: "Deleterious"; PolyPhen-2: "Benign"; Align-GVGD: "Class C0". The leucine amino acid residue is found in multiple mammalian species, which suggests that this missense change does not adversely affect protein function. In summary, the available evidence is currently insufficient to determine the role of this variant in disease. Therefore, it has been classified as a Variant of Uncertain Significance.